The following is an entry in ClinVar:

ClinVar aggregate classification (germline): Uncertain significance (1 of 4 stars; one submission).

gnomAD v4.1: 1 of 1,612,526 alleles (0.000062%); highest among the groups gnomAD compares: Non-Finnish European, 0.000085%; no homozygotes.

Submission:

CeGaT Center for Human Genetics Tuebingen
Classification: Uncertain significance. Last evaluated: 2022-06-01. Review status: criteria provided, single submitter. Criteria: CeGaT Center For Human Genetics Tuebingen Variant Classification Criteria Version 2. Collection method: clinical testing. Allele origin: germline. Affected: yes. Observed: 1 variant allele.
Comment: DMGDH: PM2, PP3

NM_013391.3(DMGDH):c.335G>T (p.Ser112Ile)

Gene: DMGDH (dimethylglycine dehydrogenase; minus strand). Cytogenetic location: 5q14.1.
Variant type: single nucleotide variant.
Coding change: c.335G>T on transcript NM_013391.3 (MANE Select); coding-DNA position 335, G replaced by T.
Protein change: p.Ser112Ile; replaces serine 112 with isoleucine.
Molecular consequence: missense variant.
Genome position (GRCh38, 1-based): chr5:79,055,850, C>A on the plus strand (G>T on the coding strand, the complement: DMGDH is on the minus strand). VCF-style: chr5-79055850-C-A. GRCh37 (hg19) VCF-style: chr5-78351673-C-A.
Other names: short protein forms S112I.
Identifiers: ClinVar variation 2655556 (VCV002655556.24), dbSNP rs748211755, ClinGen allele CA360205093.